The following is an entry in ClinVar:

NM_003500.4(ACOX2):c.274C>T (p.Arg92Trp)

Gene: ACOX2 (acyl-CoA oxidase 2; minus strand). Cytogenetic location: 3p14.3.
Variant type: single nucleotide variant.
Coding change: c.274C>T on transcript NM_003500.4 (MANE Select); coding-DNA position 274, C replaced by T.
Protein change: p.Arg92Trp; replaces arginine 92 with tryptophan.
Molecular consequence: missense variant.
Genome position (GRCh38, 1-based): chr3:58,534,409, G>A on the plus strand (C>T on the coding strand, the complement: ACOX2 is on the minus strand). VCF-style: chr3-58534409-G-A. GRCh37 (hg19) VCF-style: chr3-58520136-G-A.
Other names: short protein forms R92W.
Identifiers: ClinVar variation 4988569 (VCV004988569.1).

ClinVar aggregate classification (germline): Uncertain significance (1 of 4 stars; one submission).

Conditions:
ACOX2-related disorder. Also called: ACOX2-related condition.

Submission:

PreventionGenetics, part of Exact Sciences
Classification: Uncertain significance for ACOX2-related condition. Last evaluated: 2025-10-20. Review status: criteria provided, single submitter. Criteria: ACMG Guidelines, 2015. Collection method: clinical testing. Allele origin: germline.
Comment: The ACOX2 c.274C>T variant is predicted to result in the amino acid substitution p.Arg92Trp. To our knowledge, this variant has not been reported in the literature. This variant is reported in 0.011% of alleles in individuals of East Asian descent in gnomAD. At this time, the clinical significance of this variant is uncertain due to the absence of conclusive functional and genetic evidence.